The following is an entry in ClinVar:

NM_001393997.1(CCAR2):c.1218C>T (p.Ala406=)

Gene: CCAR2 (cell cycle and apoptosis regulator 2; plus strand). Cytogenetic location: 8p21.3.
Variant type: single nucleotide variant.
Coding change: c.1218C>T on transcript NM_001393997.1 (MANE Select); coding-DNA position 1218, C replaced by T.
Protein change: p.Ala406=; no amino-acid change (alanine 406 retained).
Molecular consequence: synonymous variant.
Genome position (GRCh38, 1-based): chr8:22,615,437, C>T. VCF-style: chr8-22615437-C-T. GRCh37 (hg19) VCF-style: chr8-22472950-C-T.
Other names: c.1218C>T, p.Ala406= (NM_001363068.2, NM_001363069.2, NM_021174.6).
Identifiers: ClinVar variation 3037246 (VCV003037246.2), dbSNP rs7001453, ClinGen allele CA4670690.

ClinVar aggregate classification (germline): Benign (0 of 4 stars; one submission).

Conditions:
CCAR2-related disorder. Also called: CCAR2-related condition.

Allele frequency attached by ClinVar (database versions not stated): ExAC 0.01234; gnomAD 0.03675; 1000 Genomes Project 0.03854; 1000 Genomes Project 30x 0.03982; ESP Exome Variant Server 0.04160; TOPMed 0.04311.
gnomAD v4.1: 11,315 of 1,613,378 alleles (0.7%); highest among the groups gnomAD compares: African/African-American, 13%; 675 homozygotes.

Submission:

PreventionGenetics, part of Exact Sciences
Classification: Benign for CCAR2-related condition. Last evaluated: 2019-05-21. Review status: no assertion criteria provided. Collection method: clinical testing. Allele origin: germline.
Comment: This variant is classified as benign based on ACMG/AMP sequence variant interpretation guidelines (Richards et al. 2015 PMID: 25741868, with internal and published modifications).